The following is an entry in ClinVar:

ClinVar aggregate classification (germline): Likely benign. Review status: criteria provided, single submitter (1 of 4 stars). 2 submissions from 2 submitters: Likely benign (1). 1 of the submissions does not count toward it. Last evaluated 2025-11-27.

Conditions:
LRRK1-related disorder. Also called: LRRK1-related condition.

Allele frequency attached by ClinVar (database versions not stated): ExAC 0.00019; 1000 Genomes Project 30x 0.00031; gnomAD 0.00034; TOPMed 0.00034; 1000 Genomes Project 0.00040; ESP Exome Variant Server 0.00059; gnomAD exomes 0.00059.
gnomAD v4.1: 901 of 1,602,234 alleles (0.056%); highest among the groups gnomAD compares: Non-Finnish European, 0.068%; no homozygotes.

Submissions (2):

Labcorp Genetics (formerly Invitae), Labcorp
Classification: Likely benign. Last evaluated: 2025-11-27. Review status: criteria provided, single submitter. Criteria: Invitae Variant Classification Sherloc (09022015). Collection method: clinical testing. Allele origin: germline.

PreventionGenetics, part of Exact Sciences
Classification: Likely benign for LRRK1-related condition. Last evaluated: 2019-07-09. Review status: no assertion criteria provided. Collection method: clinical testing. Allele origin: germline. Not counted in ClinVar's aggregate classification.
Comment: This variant is classified as likely benign based on ACMG/AMP sequence variant interpretation guidelines (Richards et al. 2015 PMID: 25741868, with internal and published modifications).

NM_024652.6(LRRK1):c.990-10T>C

Gene: LRRK1 (leucine rich repeat kinase 1; plus strand). Cytogenetic location: 15q26.3.
Variant type: single nucleotide variant.
Coding change: c.990-10T>C on transcript NM_024652.6 (MANE Select); 10 bases into the intron before coding-DNA position 990, T replaced by C.
Molecular consequence: intron variant.
Genome position (GRCh38, 1-based): chr15:101,010,440, T>C. VCF-style: chr15-101010440-T-C. GRCh37 (hg19) VCF-style: chr15-101550645-T-C.
Other names: c.990-10T>C (NM_024652.5).
Identifiers: ClinVar variation 2200521 (VCV002200521.6), dbSNP rs184099727, ClinGen allele CA7760770.